The following is an entry in ClinVar:

ClinVar aggregate classification (germline): Likely benign. Review status: criteria provided, multiple submitters, no conflicts (2 of 4 stars). 2 submissions from 2 submitters: Likely benign (2). Last evaluated 2025-07-30.

Conditions:
Developmental and epileptic encephalopathy, 12 (DEE12). Identifiers: MedGen C3150988, MONDO:0013389, OMIM 613722.

Submissions (2):

Labcorp Genetics (formerly Invitae), Labcorp
Classification: Likely benign for Developmental and epileptic encephalopathy, 12. Last evaluated: 2025-07-30. Review status: criteria provided, single submitter. Criteria: Invitae Variant Classification Sherloc (09022015). Collection method: clinical testing. Allele origin: germline.

GeneDx
Classification: Likely benign. Last evaluated: 2023-10-17. Review status: criteria provided, single submitter. Criteria: GeneDx Variant Classification Process June 2021. Collection method: clinical testing. Allele origin: germline. Affected: yes.
Comment: See Variant Classification Assertion Criteria.

NM_007254.4(PNKP):c.199-14CT[2]

Gene: PNKP (polynucleotide kinase 3'-phosphatase; minus strand). Cytogenetic location: 19q13.33.
Variant type: Microsatellite.
Coding change: c.199-14CT[2] on transcript NM_007254.4 (MANE Select); two copies in a row of the 2-base unit CT starting at c.199-14; the reference has three copies in a row; one copy, 2 bases deleted.
Molecular consequence: intron variant.
Genome position (GRCh38, 1-based): chr19:49,865,435-49,865,436, AG deleted on the plus strand (CT on the coding strand, the reverse complement: PNKP is on the minus strand); deleting any 2 consecutive bases within chr19:49,865,435-49,865,440 gives the same sequence; the position shown is the placement nearest the transcript's 3' end. VCF-style (leftmost placement, unchanged base first): chr19-49865434-AAG-A. GRCh37 (hg19) VCF-style: chr19-50368691-AAG-A.
Identifiers: ClinVar variation 681088 (VCV000681088.12), dbSNP rs749292876, ClinGen allele CA9586996.